The following is an entry in ClinVar:

NM_017999.5(RNF31):c.1157T>C (p.Val386Ala)

Gene: RNF31 (ring finger protein 31; plus strand). Cytogenetic location: 14q12.
Variant type: single nucleotide variant.
Coding change: c.1157T>C on transcript NM_017999.5 (MANE Select); coding-DNA position 1157, T replaced by C.
Protein change: p.Val386Ala; replaces valine 386 with alanine.
Molecular consequence: missense variant.
Genome position (GRCh38, 1-based): chr14:24,150,408, T>C. VCF-style: chr14-24150408-T-C. GRCh37 (hg19) VCF-style: chr14-24619617-T-C.
Other names: c.704T>C, p.Val235Ala (NM_001310332.2); short protein forms V235A, V386A.
Identifiers: ClinVar variation 2901485 (VCV002901485.3), dbSNP rs200713813, ClinGen allele CA257872348.

ClinVar aggregate classification (germline): Uncertain significance (1 of 4 stars; one submission).

Submission:

Labcorp Genetics (formerly Invitae), Labcorp
Classification: Uncertain significance. Last evaluated: 2024-10-10. Review status: criteria provided, single submitter. Criteria: Invitae Variant Classification Sherloc (09022015). Collection method: clinical testing. Allele origin: germline.
Comment: This sequence change replaces valine, which is neutral and non-polar, with alanine, which is neutral and non-polar, at codon 386 of the RNF31 protein (p.Val386Ala). This variant is not present in population databases (gnomAD no frequency). This variant has not been reported in the literature in individuals affected with RNF31-related conditions. An algorithm developed to predict the effect of missense changes on protein structure and function outputs the following: PolyPhen-2: "Benign". The alanine amino acid residue is found in multiple mammalian species, which suggests that this missense change does not adversely affect protein function. In summary, the available evidence is currently insufficient to determine the role of this variant in disease. Therefore, it has been classified as a Variant of Uncertain Significance.